The following is an entry in ClinVar:

NM_001166108.2(PALLD):c.1965-12592C>G

Gene: PALLD (palladin, cytoskeletal associated protein; plus strand). Cytogenetic location: 4q32.3.
Variant type: single nucleotide variant.
Coding change: c.1965-12592C>G on transcript NM_001166108.2 (MANE Select); 12592 bases into the intron before coding-DNA position 1965, C replaced by G.
Molecular consequence: intron variant. On other transcripts: missense variant (1).
Genome position (GRCh38, 1-based): chr4:168,878,330, C>G. VCF-style: chr4-168878330-C-G. GRCh37 (hg19) VCF-style: chr4-169799481-C-G.
Other names: c.439C>G, p.Leu147Val (NM_001166110.2); c.1965-12592C>G (NM_016081.4); c.819-12592C>G (NM_001166109.2); c.-157-12592C>G (NM_001367570.1, NM_001367568.1, NM_001367567.1 and 1 more transcripts); short protein forms L147V.
Identifiers: ClinVar variation 5026210 (VCV005026210.1).

ClinVar aggregate classification (germline): Uncertain significance (1 of 4 stars; one submission).

Submission:

Ambry Genetics
Classification: Uncertain significance. Last evaluated: 2026-08-24. Review status: criteria provided, single submitter. Criteria: Ambry Variant Classification Scheme 2023. Collection method: clinical testing. Allele origin: germline.
Comment: The p.L147V variant (also known as c.439C>G), located in coding exon 1 of the PALLD gene, results from a C to G substitution at nucleotide position 439. The leucine at codon 147 is replaced by valine, an amino acid with highly similar properties. This amino acid position is highly conserved in available vertebrate species. In addition, this alteration is predicted to be tolerated by in silico analysis. The evidence for this gene-disease relationship is limited; therefore, the clinical significance of this variant is unclear.